The following is an entry in ClinVar:

NM_014975.3(MAST1):c.3970C>T (p.Arg1324Trp)

Gene: MAST1 (microtubule associated serine/threonine kinase 1; plus strand). Cytogenetic location: 19p13.13.
Variant type: single nucleotide variant.
Coding change: c.3970C>T on transcript NM_014975.3 (MANE Select); coding-DNA position 3970, C replaced by T.
Protein change: p.Arg1324Trp; replaces arginine 1324 with tryptophan.
Molecular consequence: missense variant.
Genome position (GRCh38, 1-based): chr19:12,874,127, C>T. VCF-style: chr19-12874127-C-T. GRCh37 (hg19) VCF-style: chr19-12984941-C-T.
Other names: short protein forms R1324W.
Identifiers: ClinVar variation 2015952 (VCV002015952.4), dbSNP rs1970278548, ClinGen allele CA404289483.
Genomic context (GRCh38, chr19:12,874,127, plus strand): 5'-CTGCATAGCCTTGCCGAGTCCGACGGTGAGACGCCCCCAGTCGAGGGCCTTGGCGCGCCC[C>T]GGCAGGTCGCCGTCCGCCGCCTGGGCCGACAGGAGTCACCTTTGAGCCTGGGCGCGGACC-3'
Protein context (NP_055790.1, residues 1314-1334): TPPVEGLGAP[Arg1324Trp]QVAVRRLGRQ

ClinVar aggregate classification (germline): Uncertain significance (1 of 4 stars; one submission).

Allele frequency attached by ClinVar (database versions not stated): gnomAD exomes below 0.00001.
gnomAD v4.1: 2 of 1,543,386 alleles (0.00013%); highest among the groups gnomAD compares: Non-Finnish European, 0.00017%; no homozygotes.

Submission:

Labcorp Genetics (formerly Invitae), Labcorp
Classification: Uncertain significance. Last evaluated: 2022-08-16. Review status: criteria provided, single submitter. Criteria: Invitae Variant Classification Sherloc (09022015). Collection method: clinical testing. Allele origin: germline.
Comment: In summary, the available evidence is currently insufficient to determine the role of this variant in disease. Therefore, it has been classified as a Variant of Uncertain Significance. Algorithms developed to predict the effect of missense changes on protein structure and function are either unavailable or do not agree on the potential impact of this missense change (SIFT: "Deleterious"; PolyPhen-2: "Possibly Damaging"; Align-GVGD: "Class C0"). This variant has not been reported in the literature in individuals affected with MAST1-related conditions. This variant is not present in population databases (gnomAD no frequency). This sequence change replaces arginine, which is basic and polar, with tryptophan, which is neutral and slightly polar, at codon 1324 of the MAST1 protein (p.Arg1324Trp).